The following is an entry in ClinVar:

NM_000057.4(BLM):c.283G>A (p.Ala95Thr)

Gene: BLM (BLM RecQ like helicase; plus strand). Cytogenetic location: 15q26.1.
Variant type: single nucleotide variant.
Coding change: c.283G>A on transcript NM_000057.4 (MANE Select); coding-DNA position 283, G replaced by A.
Protein change: p.Ala95Thr; replaces alanine 95 with threonine.
Molecular consequence: missense variant. On other transcripts: 5 prime UTR variant (1).
Genome position (GRCh38, 1-based): chr15:90,749,551, G>A. VCF-style: chr15-90749551-G-A. GRCh37 (hg19) VCF-style: chr15-91292781-G-A.
Other names: c.283G>A (NM_000057.2); c.283G>A, p.Ala95Thr (NM_001287246.2, NM_001287247.2); c.-1009G>A (NM_001287248.2); short protein forms A95T.
Identifiers: ClinVar variation 1518151 (VCV001518151.9), dbSNP rs1432459834, ClinGen allele CA393840128.

ClinVar aggregate classification (germline): Uncertain significance. Review status: criteria provided, multiple submitters, no conflicts (2 of 4 stars). 2 submissions from 2 submitters: Uncertain significance (2). Last evaluated 2026-04-15.

Conditions:
Bloom syndrome (BLM). Also called: Bloom-Torre-Machacek syndrome. Identifiers: Orphanet 125, MedGen C0005859, MONDO:0008876, OMIM 210900.
Hereditary cancer-predisposing syndrome. Also called: Tumor predisposition; Neoplastic Syndromes, Hereditary; Hereditary Cancer Syndrome; Hereditary neoplastic syndrome. Identifiers: Orphanet 140162, MedGen C0027672, MeSH D009386, MONDO:0015356.

Submissions (2):

Ambry Genetics
Classification: Uncertain significance for Hereditary cancer-predisposing syndrome. Last evaluated: 2026-04-15. Review status: criteria provided, single submitter. Criteria: Ambry Variant Classification Scheme 2023. Collection method: clinical testing. Allele origin: germline.
Comment: The p.A95T variant (also known as c.283G>A), located in coding exon 2 of the BLM gene, results from a G to A substitution at nucleotide position 283. The alanine at codon 95 is replaced by threonine, an amino acid with similar properties. This amino acid position is conserved. In addition, this alteration is predicted to be tolerated by in silico analysis. Based on the available evidence, the clinical significance of this variant remains unclear.

Labcorp Genetics (formerly Invitae), Labcorp
Classification: Uncertain significance for Bloom syndrome. Last evaluated: 2021-03-22. Review status: criteria provided, single submitter. Criteria: Invitae Variant Classification Sherloc (09022015). Collection method: clinical testing. Allele origin: germline.
Comment: In summary, the available evidence is currently insufficient to determine the role of this variant in disease. Therefore, it has been classified as a Variant of Uncertain Significance. Algorithms developed to predict the effect of missense changes on protein structure and function (SIFT, PolyPhen-2, Align-GVGD) all suggest that this variant is likely to be tolerated, but these predictions have not been confirmed by published functional studies and their clinical significance is uncertain. This variant has not been reported in the literature in individuals with BLM-related conditions. This variant is not present in population databases (ExAC no frequency). This sequence change replaces alanine with threonine at codon 95 of the BLM protein (p.Ala95Thr). The alanine residue is weakly conserved and there is a small physicochemical difference between alanine and threonine.